The following is an entry in ClinVar:

ClinVar aggregate classification (germline): Uncertain significance (1 of 4 stars; one submission).

Conditions:
Epidermodysplasia verruciformis. Identifiers: Orphanet 302, MedGen C0014522, MONDO:0009176.

Allele frequency attached by ClinVar (database versions not stated): ExAC 0.00001; gnomAD exomes 0.00001; TOPMed 0.00002; gnomAD 0.00003.
gnomAD v4.1: 11 of 1,613,820 alleles (0.00068%); highest among the groups gnomAD compares: African/African-American, 0.0067%; no homozygotes.

Submission:

Labcorp Genetics (formerly Invitae), Labcorp
Classification: Uncertain significance for Epidermodysplasia verruciformis. Last evaluated: 2019-07-10. Review status: criteria provided, single submitter. Criteria: Invitae Variant Classification Sherloc (09022015). Collection method: clinical testing. Allele origin: germline.
Comment: This variant has not been reported in the literature in individuals with TMC8-related conditions. In summary, the available evidence is currently insufficient to determine the role of this variant in disease. Therefore, it has been classified as a Variant of Uncertain Significance. Algorithms developed to predict the effect of missense changes on protein structure and function (SIFT, PolyPhen-2, Align-GVGD) all suggest that this variant is likely to be tolerated, but these predictions have not been confirmed by published functional studies and their clinical significance is uncertain. This variant is present in population databases (rs769031304, ExAC 0.009%). This sequence change replaces glutamic acid with lysine at codon 330 of the TMC8 protein (p.Glu330Lys). The glutamic acid residue is weakly conserved and there is a small physicochemical difference between glutamic acid and lysine.

NM_152468.5(TMC8):c.988G>A (p.Glu330Lys)

Gene: TMC8 (transmembrane channel like 8; plus strand). Cytogenetic location: 17q25.3.
Variant type: single nucleotide variant.
Coding change: c.988G>A on transcript NM_152468.5 (MANE Select); coding-DNA position 988, G replaced by A.
Protein change: p.Glu330Lys; replaces glutamic acid 330 with lysine.
Molecular consequence: missense variant.
Genome position (GRCh38, 1-based): chr17:78,134,870, G>A. VCF-style: chr17-78134870-G-A. GRCh37 (hg19) VCF-style: chr17-76130951-G-A.
Other names: short protein forms E330K.
Identifiers: ClinVar variation 946779 (VCV000946779.10), dbSNP rs769031304, ClinGen allele CA8796705.